The following is an entry in ClinVar:

ClinVar aggregate classification (germline): Pathogenic (1 of 4 stars; one submission).

Conditions:
Ataxia-telangiectasia syndrome (AT). Also called: Cerebello-oculocutaneous telangiectasia; Immunodeficiency with ataxia telangiectasia; Ataxia-telangiectasia, complementation group D; Ataxia telangiectasia (A-T); ATAXIA-TELANGIECTASIA, COMPLEMENTATION GROUP A; ATAXIA-TELANGIECTASIA, FRESNO VARIANT. Identifiers: Orphanet 100, MedGen C0004135, MONDO:0008840, OMIM 208900.

Submission:

Labcorp Genetics (formerly Invitae), Labcorp
Classification: Pathogenic for Ataxia-telangiectasia syndrome. Last evaluated: 2022-04-22. Review status: criteria provided, single submitter. Criteria: Invitae Variant Classification Sherloc (09022015). Collection method: clinical testing. Allele origin: germline.
Comment: This sequence change creates a premature translational stop signal (p.Asp1145Glufs*2) in the ATM gene. It is expected to result in an absent or disrupted protein product. Loss-of-function variants in ATM are known to be pathogenic (PMID: 23807571, 25614872). This variant is not present in population databases (gnomAD no frequency). This variant has not been reported in the literature in individuals affected with ATM-related conditions. For these reasons, this variant has been classified as Pathogenic.

Literature cited by the submitters: PubMed 23807571; PubMed 25614872.

NM_000051.4(ATM):c.3434dup (p.Asp1145fs)

Gene: ATM (ATM serine/threonine kinase; plus strand). Cytogenetic location: 11q22.3.
Variant type: Duplication.
Coding change: c.3434dup on transcript NM_000051.4 (MANE Select); coding-DNA position 3434, one base duplicated (A; older notation c.3434dupA).
Protein change: p.Asp1145fs; shifts the reading frame from aspartic acid 1145.
Molecular consequence: frameshift variant.
Genome position (GRCh38, 1-based): chr11:108,281,026, A duplicated. VCF-style (leftmost placement, unchanged base first): chr11-108281025-G-GA. GRCh37 (hg19) VCF-style: chr11-108151752-G-GA.
Other names: c.3434dup, p.Asp1145fs (NM_001351834.2); short protein forms D1145fs.
Identifiers: ClinVar variation 2128768 (VCV002128768.4), dbSNP rs2546869515, ClinGen allele CA2580083035.